The following is an entry in ClinVar:

NM_001267550.2(TTN):c.68199G>A (p.Glu22733=)

Genes: TTN (titin; minus strand), TTN-AS1 (TTN antisense RNA 1; plus strand), LOC126806423 (CDK7 strongly-dependent group 2 enhancer GRCh37_chr2:179443309-179444508; plus strand). Cytogenetic location: 2q31.2.
Variant type: single nucleotide variant.
Coding change: c.68199G>A on transcript NM_001267550.2 (MANE Select); coding-DNA position 68199, G replaced by A.
Protein change: p.Glu22733=; no amino-acid change (glutamic acid 22733 retained).
Molecular consequence: synonymous variant.
Genome position (GRCh38, 1-based): chr2:178,578,831, C>T on the plus strand (G>A on the coding strand, the complement: TTN is on the minus strand). VCF-style: chr2-178578831-C-T. GRCh37 (hg19) VCF-style: chr2-179443558-C-T.
Other names: c.63276G>A, p.Glu21092= (NM_001256850.1); c.41004G>A, p.Glu13668= (NM_003319.4); c.60495G>A, p.Glu20165= (NM_133378.4); c.41379G>A, p.Glu13793= (NM_133432.3); c.41580G>A, p.Glu13860= (NM_133437.4).
Identifiers: ClinVar variation 512904 (VCV000512904.11), dbSNP rs375672522, ClinGen allele CA60956289.
Genomic context (GRCh38, chr2:178,578,831, plus strand): 5'-TTTTGCTTTACGTCTTCTGAATTTAAGACACTTACCAAATGGATGTCTCGCAACAATTGG[C>T]TCCGATTTCAGGCCTTCCCCTACACCATATTTATTTTCGGCACTGACCCTGAAGGTATAT-3'
Protein context (NP_001254479.2, residues 22723-22743): KYGVGEGLKS[Glu22733=]PIVARHPFDV

ClinVar aggregate classification (germline): Likely benign. Review status: criteria provided, multiple submitters, no conflicts (2 of 4 stars). 3 submissions from 3 submitters: Likely benign (3). Last evaluated 2024-11-25.

Conditions:
Cardiovascular phenotype. Identifiers: MedGen CN230736.
Autosomal recessive limb-girdle muscular dystrophy type 2J (LGMDR10). Also called: MUSCULAR DYSTROPHY, LIMB-GIRDLE, AUTOSOMAL RECESSIVE 10; Limb-girdle muscular dystrophy, type 2J. Identifiers: Orphanet 140922, MedGen C1837342, MONDO:0012127, OMIM 608807.
Dilated cardiomyopathy 1G (CMD1G). Identifiers: Orphanet 154, MedGen C1858763, MONDO:0011400, OMIM 604145.

Allele frequency attached by ClinVar (database versions not stated): gnomAD exomes below 0.00001; TOPMed below 0.00001; gnomAD 0.00001; ESP Exome Variant Server 0.00008.
gnomAD v4.1: 5 of 1,611,450 alleles (0.00031%); highest among the groups gnomAD compares: African/African-American, 0.004%; no homozygotes.

Submissions (3):

Labcorp Genetics (formerly Invitae), Labcorp
Classification: Likely benign for Dilated cardiomyopathy 1G; Autosomal recessive limb-girdle muscular dystrophy type 2J. Last evaluated: 2024-11-25. Review status: criteria provided, single submitter. Criteria: Invitae Variant Classification Sherloc (09022015). Collection method: clinical testing. Allele origin: germline.

Ambry Genetics
Classification: Likely benign for Cardiovascular phenotype. Last evaluated: 2021-03-31. Review status: criteria provided, single submitter. Criteria: Ambry Variant Classification Scheme 2023. Collection method: clinical testing. Allele origin: germline.

GeneDx
Classification: Likely benign. Last evaluated: 2017-10-18. Review status: criteria provided, single submitter. Criteria: GeneDx Variant Classification (06012015). Collection method: clinical testing. Allele origin: germline. Affected: yes.
Comment: This variant is considered likely benign or benign based on one or more of the following criteria: it is a conservative change, it occurs at a poorly conserved position in the protein, it is predicted to be benign by multiple in silico algorithms, and/or has population frequency not consistent with disease.